The following is an entry in ClinVar:

ClinVar aggregate classification (germline): Uncertain significance. Review status: criteria provided, multiple submitters, no conflicts (2 of 4 stars). 7 submissions from 6 submitters: Uncertain significance (6). 1 of the submissions does not count toward it. Last evaluated 2026-01-05.

Conditions:
Autosomal recessive nonsyndromic hearing loss 12. Also called: DEAFNESS, AUTOSOMAL RECESSIVE 12. Identifiers: Orphanet 90636, MedGen C1832394, MONDO:0011067, OMIM 601386.
Usher syndrome type 1D (USH1D). Also called: USHER SYNDROME, TYPE ID. Identifiers: Orphanet 231169, Orphanet 886, MedGen C1832845, MONDO:0010984, OMIM 601067.
Pituitary adenoma 5, multiple types. Identifiers: MedGen C4539685, MONDO:0054601, OMIM 617540.
Inborn genetic diseases. Identifiers: MedGen C0950123, MeSH D030342.
Usher syndrome type 1 (USH1). Also called: RETINITIS PIGMENTOSA AND CONGENITAL DEAFNESS. Identifiers: Orphanet 231169, Orphanet 886, MedGen C1568247, MONDO:0010168, OMIM 276900.

Allele frequency attached by ClinVar (database versions not stated): gnomAD 0.00001 and 0.00002; ExAC 0.00003; gnomAD exomes 0.00003; TOPMed 0.00005.
gnomAD v4.1: 18 of 1,613,638 alleles (0.0011%); highest among the groups gnomAD compares: Admixed American, 0.015%; no homozygotes.

Submissions (7):

Labcorp Genetics (formerly Invitae), Labcorp
Classification: Uncertain significance. Last evaluated: 2026-01-05. Review status: criteria provided, single submitter. Criteria: Invitae Variant Classification Sherloc (09022015). Collection method: clinical testing. Allele origin: germline.
Comment: This sequence change replaces leucine, which is neutral and non-polar, with valine, which is neutral and non-polar, at codon 2002 of the CDH23 protein (p.Leu2002Val). This variant is present in population databases (rs756459547, gnomAD 0.02%). This variant has not been reported in the literature in individuals affected with CDH23-related conditions. ClinVar contains an entry for this variant (Variation ID: 300449). Invitae Evidence Modeling of protein sequence and biophysical properties (such as structural, functional, and spatial information, amino acid conservation, physicochemical variation, residue mobility, and thermodynamic stability) has been performed for this missense variant. However, the output from this modeling did not meet the statistical confidence thresholds required to predict the impact of this variant on CDH23 protein function. In summary, the available evidence is currently insufficient to determine the role of this variant in disease. Therefore, it has been classified as a Variant of Uncertain Significance.

Ambry Genetics
Classification: Uncertain significance for Inborn genetic diseases. Last evaluated: 2025-12-08. Review status: criteria provided, single submitter. Criteria: Ambry Variant Classification Scheme 2023. Collection method: clinical testing. Allele origin: germline.

GeneDx
Classification: Uncertain significance. Last evaluated: 2023-01-18. Review status: criteria provided, single submitter. Criteria: GeneDx Variant Classification Process June 2021. Collection method: clinical testing. Allele origin: germline. Affected: yes.
Comment: In silico analysis supports that this missense variant does not alter protein structure/function; Has not been previously published as pathogenic or benign to our knowledge

Fulgent Genetics
Classification: Uncertain significance for Usher syndrome type 1D; Autosomal recessive nonsyndromic hearing loss 12; Pituitary adenoma 5, multiple types. Last evaluated: 2021-07-30. Review status: criteria provided, single submitter. Criteria: ACMG Guidelines, 2015. Collection method: clinical testing. Allele origin: unknown.

Illumina Laboratory Services, Illumina
Classification: Uncertain significance for Autosomal recessive nonsyndromic hearing loss 12. Last evaluated: 2018-01-13. Review status: criteria provided, single submitter. Criteria: ICSL Variant Classification Criteria 13 December 2019. Collection method: clinical testing. Allele origin: germline.

Illumina Laboratory Services, Illumina
Classification: Uncertain significance for Usher syndrome type 1D. Last evaluated: 2018-01-13. Review status: criteria provided, single submitter. Criteria: ICSL Variant Classification Criteria 13 December 2019. Collection method: clinical testing. Allele origin: germline.

Natera, Inc.
Classification: Uncertain significance for Usher syndrome type 1. Last evaluated: 2019-10-28. Review status: no assertion criteria provided. Collection method: clinical testing. Allele origin: germline. Not counted in ClinVar's aggregate classification.

NM_022124.6(CDH23):c.6004C>G (p.Leu2002Val)

Gene: CDH23 (cadherin related 23; plus strand). Cytogenetic location: 10q22.1.
Variant type: single nucleotide variant.
Coding change: c.6004C>G on transcript NM_022124.6 (MANE Select); coding-DNA position 6004, C replaced by G.
Protein change: p.Leu2002Val; replaces leucine 2002 with valine.
Molecular consequence: missense variant.
Genome position (GRCh38, 1-based): chr10:71,790,368, C>G. VCF-style: chr10-71790368-C-G. GRCh37 (hg19) VCF-style: chr10-73550125-C-G.
Other names: short protein forms L2002V.
Identifiers: ClinVar variation 300449 (VCV000300449.13), dbSNP rs756459547, ClinGen allele CA5545959.
Genomic context (GRCh38, chr10:71,790,368, plus strand): 5'-AATGGGCCCATCCTGGCCCTGGATGCAGACCAAGACATCTACGCCGTGGTGACCTACCAG[C>G]TGCTGGGTGCCCAGAGTGGCCTCTTTGACATCAACAGCAGCACCGGTGAGGCCTCTGTGC-3'
Protein context (NP_071407.4, residues 1992-2012): QDIYAVVTYQ[Leu2002Val]LGAQSGLFDI